The following is an entry in ClinVar:

ClinVar aggregate classification (germline): Pathogenic (1 of 4 stars; one submission).

Submission:

CeGaT Center for Human Genetics Tuebingen
Classification: Pathogenic. Last evaluated: 2023-10-01. Review status: criteria provided, single submitter. Criteria: CeGaT Center For Human Genetics Tuebingen Variant Classification Criteria Version 2. Collection method: clinical testing. Allele origin: germline. Affected: yes. Observed: 1 variant allele.
Comment: KDM5C: PVS1, PS2, PM2

NM_004187.5(KDM5C):c.2821del (p.Ser941fs)

Gene: KDM5C (lysine demethylase 5C; minus strand). Cytogenetic location: Xp11.22.
Variant type: Deletion.
Coding change: c.2821del on transcript NM_004187.5 (MANE Select); coding-DNA position 2821, one base deleted (T; older notation c.2821delT).
Protein change: p.Ser941fs; shifts the reading frame from serine 941.
Molecular consequence: frameshift variant. On other transcripts: non-coding transcript variant (3).
Genome position (GRCh38, 1-based): chrX:53,196,846, A deleted on the plus strand (T on the coding strand, the reverse complement: KDM5C is on the minus strand). VCF-style (leftmost placement, unchanged base first): chrX-53196845-GA-G. GRCh37 (hg19) VCF-style: chrX-53226027-GA-G.
Other names: c.2620del, p.Ser874fs (NM_001146702.2); c.2818del, p.Ser940fs (NM_001282622.3, NM_001353979.2, NM_001353982.2); c.2821del, p.Ser941fs (NM_001353978.3, NM_001353981.2, NM_001353984.2); short protein forms S874fs, S940fs, S941fs.
Identifiers: ClinVar variation 2660588 (VCV002660588.24), dbSNP rs2519397631, ClinGen allele CA2695200214.